The following is an entry in ClinVar:

ClinVar aggregate classification (germline): Uncertain significance (1 of 4 stars; one submission).

Allele frequency attached by ClinVar (database versions not stated): gnomAD exomes below 0.00001 and 0.00001; TOPMed below 0.00001.
gnomAD v4.1: 1 of 1,151,200 alleles (0.000087%); highest among the groups gnomAD compares: Admixed American, 0.0022%; no homozygotes.

Submission:

Labcorp Genetics (formerly Invitae), Labcorp
Classification: Uncertain significance. Last evaluated: 2023-07-12. Review status: criteria provided, single submitter. Criteria: Invitae Variant Classification Sherloc (09022015). Collection method: clinical testing. Allele origin: germline.
Comment: This sequence change replaces isoleucine, which is neutral and non-polar, with leucine, which is neutral and non-polar, at codon 536 of the CHM protein (p.Ile536Leu). This variant is present in population databases (no rsID available, gnomAD 0.004%). ClinVar contains an entry for this variant (Variation ID: 1355379). This variant has not been reported in the literature in individuals affected with CHM-related conditions. Advanced modeling of protein sequence and biophysical properties (such as structural, functional, and spatial information, amino acid conservation, physicochemical variation, residue mobility, and thermodynamic stability) performed at Invitae indicates that this missense variant is not expected to disrupt CHM protein function. In summary, the available evidence is currently insufficient to determine the role of this variant in disease. Therefore, it has been classified as a Variant of Uncertain Significance.

NM_000390.4(CHM):c.1606A>C (p.Ile536Leu)

Gene: CHM (CHM Rab escort protein; minus strand). Cytogenetic location: Xq21.2.
Variant type: single nucleotide variant.
Coding change: c.1606A>C on transcript NM_000390.4 (MANE Select); coding-DNA position 1606, A replaced by C.
Protein change: p.Ile536Leu; replaces isoleucine 536 with leucine.
Molecular consequence: missense variant.
Genome position (GRCh38, 1-based): chrX:85,878,968, T>G on the plus strand (A>C on the coding strand, the complement: CHM is on the minus strand). VCF-style: chrX-85878968-T-G. GRCh37 (hg19) VCF-style: chrX-85133973-T-G.
Other names: c.1162A>C, p.Ile388Leu (NM_001320959.1, NM_001362517.1, NM_001362518.2 and 1 more transcripts); short protein forms I388L, I536L.
Identifiers: ClinVar variation 1355379 (VCV001355379.6), dbSNP rs1306375729, ClinGen allele CA413787481.